The following is an entry in ClinVar:

NM_000901.5(NR3C2):c.1817G>A (p.Cys606Tyr)

Gene: NR3C2 (nuclear receptor subfamily 3 group C member 2; minus strand). Cytogenetic location: 4q31.23.
Variant type: single nucleotide variant.
Coding change: c.1817G>A on transcript NM_000901.5 (MANE Select); coding-DNA position 1817, G replaced by A.
Protein change: p.Cys606Tyr; replaces cysteine 606 with tyrosine.
Molecular consequence: missense variant. On other transcripts: non-coding transcript variant (1).
Genome position (GRCh38, 1-based): chr4:148,260,058, C>T on the plus strand (G>A on the coding strand, the complement: NR3C2 is on the minus strand). VCF-style: chr4-148260058-C-T. GRCh37 (hg19) VCF-style: chr4-149181210-C-T.
Other names: c.1817G>A, p.Cys606Tyr (NM_001166104.2, NM_001354819.1, NM_001437654.1 and 4 more transcripts); short protein forms C606Y.
Identifiers: ClinVar variation 4854165 (VCV004854165.1).

ClinVar aggregate classification (germline): Uncertain significance (1 of 4 stars; one submission).

Conditions:
Pseudohyperaldosteronism type 2. Identifiers: Orphanet 88660, MedGen C1854631, MONDO:0011517, OMIM 605115.

Submission:

3billion
Classification: Uncertain significance for Pseudohyperaldosteronism type 2. Last evaluated: 2025-07-18. Review status: criteria provided, single submitter. Criteria: ACMG Guidelines, 2015. Collection method: clinical testing. Allele origin: germline. Affected: yes.
Comment: The variant is not observed in the gnomAD v4.1.0 dataset. Predicted Consequence/Location: Missense variant In silico tool predictions suggest damaging effect of the variant on gene or gene product [REVEL: 0.96 (>=0.6, sensitivity 0.68 and specificity 0.92)]. Different missense changes at the same codon (p.Cys606Arg, p.Cys606Ser) have been reported to be associated with NR3C2-related disorder (PMID: 20453518, 39614070). However the evidence of pathogenicity is insufficient at this time. Therefore, this variant is classified as VUS according to the recommendation of ACMG/AMP guideline.

Literature cited by the submitters: PubMed 20453518.